The following is an entry in ClinVar:

ClinVar aggregate classification (germline): Likely pathogenic. Review status: criteria provided, single submitter (1 of 4 stars). 3 submissions from 3 submitters: Likely pathogenic (1). 2 of the submissions do not count toward it. Last evaluated 2016-10-27.

Conditions:
Takenouchi-Kosaki syndrome. Also called: MACROTHROMBOCYTOPENIA AND MENTAL RETARDATION SYNDROME; Macrothrombocytopenia-lymphedema-developmental delay-facial dysmorphism-camptodactyly syndrome. Identifiers: Orphanet 487796, MedGen C4225222, MONDO:0014757, OMIM 616737.
Neurodevelopmental abnormality. Identifiers: MedGen C4022737, HP:0012759.
Postnatal growth retardation. Identifiers: MedGen C1859778, HP:0008897.
Abnormality of blood and blood-forming tissues. Identifiers: MedGen C0850715, HP:0001871.
Abnormality of the immune system. Identifiers: MedGen C4021753, HP:0002715.
Abnormal facial shape. Also called: Dysmorphic facies; Dysmorphic facial features. Identifiers: MedGen C0424503, HP:0001999.

Submissions (3):

GeneDx
Classification: Likely pathogenic. Last evaluated: 2016-10-27. Review status: criteria provided, single submitter. Criteria: GeneDx Variant Classification (06012015). Collection method: clinical testing. Allele origin: germline. Affected: yes.
Comment: The I21T variant in the CDC42 gene has not been reported previously as a pathogenic variant, nor as a benign variant, to our knowledge. The I21T variant was not observed in approximately 6500 individuals of European and African American ancestry in the NHLBI Exome Sequencing Project, indicating it is not a common benign variant in these populations. The I21T variant is a non-conservative amino acid substitution, which occurs at a position that is conserved across species. In silico analysis predicts this variant is probably damaging to the protein structure/function. The I21T variant is a strong candidate for a pathogenic variant which may be related to the clinical features in this individual. However, the possibility it may be a rare benign variant cannot be excluded.

OMIM
Classification: Pathogenic for TAKENOUCHI-KOSAKI SYNDROME. Last evaluated: 2018-04-06. Review status: no assertion criteria provided. Collection method: literature only. Allele origin: germline. Not counted in ClinVar's aggregate classification.

University of Washington Center for Mendelian Genomics, University of Washington
Classification: Likely pathogenic for Postnatal growth retardation; Abnormal facial shape; Neurodevelopmental abnormality; Abnormality of the immune system; Abnormality of blood and blood-forming tissues. Review status: no assertion criteria provided. Collection method: research. Allele origin: de novo. Affected: yes. Not counted in ClinVar's aggregate classification.

Literature cited by the submitters: PubMed 29394990 (cited by OMIM and University of Washington Center for Mendelian Genomics, University of Washington).

NM_001791.4(CDC42):c.62T>C (p.Ile21Thr)

Gene: CDC42 (cell division cycle 42; plus strand). Cytogenetic location: 1p36.12.
Variant type: single nucleotide variant.
Coding change: c.62T>C on transcript NM_001791.4 (MANE Select); coding-DNA position 62, T replaced by C.
Protein change: p.Ile21Thr; replaces isoleucine 21 with threonine.
Molecular consequence: missense variant.
Genome position (GRCh38, 1-based): chr1:22,078,540, T>C. VCF-style: chr1-22078540-T-C. GRCh37 (hg19) VCF-style: chr1-22405033-T-C.
Other names: c.62T>C, p.Ile21Thr (NM_001039802.2, NM_044472.3); short protein forms I21T.
Identifiers: ClinVar variation 422537 (VCV000422537.3), dbSNP rs1064795845, ClinGen allele CA16617069.
Genomic context (GRCh38, chr1:22,078,540, plus strand): 5'-TGCAGACAATTAAGTGTGTTGTTGTGGGCGATGGTGCTGTTGGTAAAACATGTCTCCTGA[T>C]ATCCTACACAACAAACAAATTTCCATCGGAATATGTACCGACTGTAAGTATAAAGGCTTC-3'
Protein context (NP_001782.1, residues 11-31): DGAVGKTCLL[Ile21Thr]SYTTNKFPSE